The following is an entry in ClinVar:

ClinVar aggregate classification (germline): Uncertain significance (1 of 4 stars; one submission).

Submission:

Labcorp Genetics (formerly Invitae), Labcorp
Classification: Uncertain significance. Last evaluated: 2025-05-05. Review status: criteria provided, single submitter. Criteria: Invitae Variant Classification Sherloc (09022015). Collection method: clinical testing. Allele origin: germline.
Comment: This sequence change falls in intron 28 of the MYO18B gene. It does not directly change the encoded amino acid sequence of the MYO18B protein. It affects a nucleotide within the consensus splice site. This variant is not present in population databases (gnomAD no frequency). This variant has not been reported in the literature in individuals affected with MYO18B-related conditions. ClinVar contains an entry for this variant (Variation ID: 1474059). Variants that disrupt the consensus splice site are a relatively common cause of aberrant splicing (PMID: 17576681, 9536098). Algorithms developed to predict the effect of sequence changes on RNA splicing suggest that this variant is not likely to affect RNA splicing. In summary, the available evidence is currently insufficient to determine the role of this variant in disease. Therefore, it has been classified as a Variant of Uncertain Significance.

Literature cited by the submitters: PubMed 17576681; PubMed 9536098.

NM_032608.7(MYO18B):c.4668+6A>G

Genes: MYO18B (myosin XVIIIB; plus strand), MYO18B-AS1 (MYO18B antisense RNA 1; minus strand). Cytogenetic location: 22q12.1.
Variant type: single nucleotide variant.
Coding change: c.4668+6A>G on transcript NM_032608.7 (MANE Select); 6 bases into the intron after coding-DNA position 4668, A replaced by G.
Molecular consequence: intron variant.
Genome position (GRCh38, 1-based): chr22:25,895,286, A>G. VCF-style: chr22-25895286-A-G. GRCh37 (hg19) VCF-style: chr22-26291253-A-G.
Other names: c.4671+6A>G (NM_001318245.2).
Identifiers: ClinVar variation 1474059 (VCV001474059.6), dbSNP rs2146303674, ClinGen allele CA2573157901.
Genomic context (GRCh38, chr22:25,895,286, plus strand): 5'-ATGCGAGGAGAGGCTGGACTCGGAGCTGACAGCCAGGAAAGAGCTGGAGCAAAAGGTAAG[A>G]TGTGGGGATAGTCTGGGCCACAGAAGTGTTAGAGAGTGGGCAGGCTCTCACCTCCACTGT-3'